The following is an entry in ClinVar:

NM_000047.3(ARSL):c.1507del (p.Glu503fs)

Gene: ARSL (arylsulfatase L; minus strand). Cytogenetic location: Xp22.33.
Variant type: Deletion.
Coding change: c.1507del on transcript NM_000047.3 (MANE Select); coding-DNA position 1507, one base deleted (G; older notation c.1507delG).
Protein change: p.Glu503fs; shifts the reading frame from glutamic acid 503.
Molecular consequence: frameshift variant.
Genome position (GRCh38, 1-based): chrX:2,935,095, C deleted on the plus strand (G on the coding strand, the reverse complement: ARSL is on the minus strand); the first of 4 consecutive C bases (chrX:2,935,095-2,935,098); deleting any one gives the same sequence. VCF-style (leftmost placement, unchanged base first): chrX-2935094-TC-T. GRCh37 (hg19) VCF-style: chrX-2853135-TC-T.
Other names: c.1582del, p.Glu528fs (NM_001282628.2, NM_001369080.1); c.1345del, p.Glu449fs (NM_001282631.2); c.1534del, p.Glu512fs (NM_001369079.1); short protein forms E449fs, E503fs, E512fs, E528fs.
Identifiers: ClinVar variation 3382754 (VCV003382754.2).

ClinVar aggregate classification (germline): Uncertain significance (1 of 4 stars; one submission).

Conditions:
X-linked chondrodysplasia punctata 1 (CDPX1). Also called: CHONDRODYSPLASIA PUNCTATA, BRACHYTELEPHALANGIC; Chondrodysplasia punctata, X-linked recessive. Identifiers: Orphanet 79345, MedGen C3669395, MONDO:0010555, OMIM 302950.

Submission:

Juno Genomics, Hangzhou Juno Genomics, Inc
Classification: Uncertain significance for X-linked chondrodysplasia punctata 1. Review status: criteria provided, single submitter. Criteria: ACMG Guidelines, 2015. Collection method: clinical testing. Allele origin: germline. Affected: yes.
Comment: Absent from controls (or at extremely low frequency if recessive) in Genome Aggregation Database, Exome Sequencing Project, 1000 Genomes Project, or Exome Aggregation Consortium.;Null variant in a gene where loss of function (LOF) is a known mechanism of disease.